The following is an entry in ClinVar:

ClinVar aggregate classification (germline): Likely benign. Review status: criteria provided, multiple submitters, no conflicts (2 of 4 stars). 3 submissions from 3 submitters: Likely benign (3). Last evaluated 2025-03-04.

Conditions:
Pheochromocytoma/paraganglioma syndrome 4. Also called: SDHB-Related Hereditary Paraganglioma-Pheochromocytoma Syndrome (Paragangliomas 4); PARAGANGLIOMA, FAMILIAL MALIGNANT; PARAGANGLIOMAS, HEREDITARY EXTRAADRENAL; PHEOCHROMOCYTOMA, FAMILIAL EXTRAADRENAL; Paragangliomas 4; CAROTID BODY TUMORS AND MULTIPLE EXTRAADRENAL PHEOCHROMOCYTOMAS. Identifiers: Orphanet 29072, MedGen C1861848, MONDO:0007273, OMIM 115310.
Gastrointestinal stromal tumor. Also called: Gastrointestinal stroma tumor; Gastrointestinal stromal tumor, somatic. Identifiers: Orphanet 44890, MedGen C0238198, MeSH D046152, MONDO:0011719, OMIM 606764, HP:0100723.
Pheochromocytoma. Also called: MAX-Related Hereditary Paraganglioma-Pheochromocytoma Syndrome. Identifiers: Orphanet 29072, MedGen C0031511, MONDO:0008233, OMIM 171300, HP:0002666.

Submissions (3):

Center for Genomic Medicine, Rigshospitalet, Copenhagen University Hospital
Classification: Likely benign. Last evaluated: 2025-03-04. Review status: criteria provided, single submitter. Criteria: ACMG Guidelines, 2015. Collection method: clinical testing. Allele origin: germline.

Labcorp Genetics (formerly Invitae), Labcorp
Classification: Likely benign for Gastrointestinal stromal tumor; Pheochromocytoma/paraganglioma syndrome 4; Pheochromocytoma. Last evaluated: 2024-04-16. Review status: criteria provided, single submitter. Criteria: Invitae Variant Classification Sherloc (09022015). Collection method: clinical testing. Allele origin: germline.

GeneDx
Classification: Likely benign. Last evaluated: 2017-05-11. Review status: criteria provided, single submitter. Criteria: GeneDx Variant Classification (06012015). Collection method: clinical testing. Allele origin: germline. Affected: yes.
Comment: This variant is considered likely benign or benign based on one or more of the following criteria: it is a conservative change, it occurs at a poorly conserved position in the protein, it is predicted to be benign by multiple in silico algorithms, and/or has population frequency not consistent with disease.

NM_003000.3(SDHB):c.766-19del

Genes: SDHB (succinate dehydrogenase complex iron sulfur subunit B; minus strand), LOC129929541 (ATAC-STARR-seq lymphoblastoid active region 276; plus strand). Cytogenetic location: 1p36.13.
Variant type: Deletion.
Coding change: c.766-19del on transcript NM_003000.3 (MANE Select); 19 bases into the intron before coding-DNA position 766, one base deleted (T; older notation c.766-19delT).
Molecular consequence: intron variant.
Genome position (GRCh38, 1-based): chr1:17,018,977, A deleted on the plus strand (T on the coding strand, the reverse complement: SDHB is on the minus strand); the first of 2 consecutive A bases (chr1:17,018,977-17,018,978); deleting either gives the same sequence. VCF-style (leftmost placement, unchanged base first): chr1-17018976-GA-G. GRCh37 (hg19) VCF-style: chr1-17345471-GA-G.
Other names: c.766-19delT (NM_003000.2, NM_003000.3).
Identifiers: ClinVar variation 509480 (VCV000509480.11), dbSNP rs1553176985, ClinGen allele CA658795403.
Genomic context (GRCh38, chr1:17,018,976, plus strand): 5'-TCATTTTCTTGATCTCTGCAATAGCTTTCCCTGGATTCAGACCCTTGAAAAAAGAGAAAA[GA>G]ATCAATAACAAATGATAACTGAAACTGAAAGGGAAAACCCACAATCTTGGGTGAAACTCC-3'